The following is an entry in ClinVar:

ClinVar aggregate classification (germline): Uncertain significance. Review status: criteria provided, multiple submitters, no conflicts (2 of 4 stars). 2 submissions from 2 submitters: Uncertain significance (2). Last evaluated 2025-12-19.

Conditions:
Atypical hemolytic-uremic syndrome with C3 anomaly. Also called: AHUS, SUSCEPTIBILITY TO, 5. Identifiers: Orphanet 2134, MedGen C2752037, MONDO:0013043, OMIM 612925.
Age related macular degeneration 9. Identifiers: MedGen C1969651, MONDO:0012659, OMIM 611378.
Complement component 3 deficiency. Identifiers: Orphanet 280133, MedGen C3151071, MONDO:0013417, OMIM 613779.

gnomAD v4.1: 61 of 1,613,678 alleles (0.0038%); highest among the groups gnomAD compares: African/African-American, 0.0053%; no homozygotes.

Submissions (2):

Labcorp Genetics (formerly Invitae), Labcorp
Classification: Uncertain significance. Last evaluated: 2025-12-19. Review status: criteria provided, single submitter. Criteria: Invitae Variant Classification Sherloc (09022015). Collection method: clinical testing. Allele origin: germline.
Comment: This sequence change replaces tyrosine, which is neutral and polar, with cysteine, which is neutral and slightly polar, at codon 210 of the C3 protein (p.Tyr210Cys). This variant is present in population databases (rs372060158, gnomAD 0.003%). This variant has not been reported in the literature in individuals affected with C3-related conditions. ClinVar contains an entry for this variant (Variation ID: 3584189). Invitae Evidence Modeling of protein sequence and biophysical properties (such as structural, functional, and spatial information, amino acid conservation, physicochemical variation, residue mobility, and thermodynamic stability) indicates that this missense variant is expected to disrupt C3 protein function with a positive predictive value of 80%. In summary, the available evidence is currently insufficient to determine the role of this variant in disease. Therefore, it has been classified as a Variant of Uncertain Significance.

Fulgent Genetics
Classification: Uncertain significance for Age related macular degeneration 9; Atypical hemolytic-uremic syndrome with C3 anomaly; Complement component 3 deficiency. Last evaluated: 2024-03-25. Review status: criteria provided, single submitter. Criteria: ACMG Guidelines, 2015. Collection method: clinical testing. Allele origin: germline.

NM_000064.4(C3):c.629A>G (p.Tyr210Cys)

Gene: C3 (complement C3; minus strand). Cytogenetic location: 19p13.3.
Variant type: single nucleotide variant.
Coding change: c.629A>G on transcript NM_000064.4 (MANE Select); coding-DNA position 629, A replaced by G.
Protein change: p.Tyr210Cys; replaces tyrosine 210 with cysteine.
Molecular consequence: missense variant.
Genome position (GRCh38, 1-based): chr19:6,714,219, T>C on the plus strand (A>G on the coding strand, the complement: C3 is on the minus strand). VCF-style: chr19-6714219-T-C. GRCh37 (hg19) VCF-style: chr19-6714230-T-C.
Other names: short protein forms Y210C.
Identifiers: ClinVar variation 3584189 (VCV003584189.3).